The following is an entry in ClinVar:

NM_000096.4(CP):c.2756T>C (p.Leu919Pro)

Gene: CP (ceruloplasmin; minus strand). Cytogenetic location: 3q24.
Variant type: single nucleotide variant.
Coding change: c.2756T>C on transcript NM_000096.4 (MANE Select); coding-DNA position 2756, T replaced by C.
Protein change: p.Leu919Pro; replaces leucine 919 with proline.
Molecular consequence: missense variant. On other transcripts: non-coding transcript variant (1).
Genome position (GRCh38, 1-based): chr3:149,178,537, A>G on the plus strand (T>C on the coding strand, the complement: CP is on the minus strand). VCF-style: chr3-149178537-A-G. GRCh37 (hg19) VCF-style: chr3-148896324-A-G.
Other names: short protein forms L919P.
Identifiers: ClinVar variation 431113 (VCV000431113.5), dbSNP rs1135401784, ClinGen allele CA354929700.
Genomic context (GRCh38, chr3:149,178,537, plus strand): 5'-GAGTATGTTTTGATGTTGTCATCTAAGTACCAAGATTCATTCTCATCAAAAACTAGAAAC[A>G]GAAGGGCAAATTCCAGTTTCCTTCTGGGATTGAATACTTTCAAGTAAGGTCTTCGACAAA-3'
Protein context (NP_000087.2, residues 909-929): NPRRKLEFAL[Leu919Pro]FLVFDENESW

ClinVar aggregate classification (germline): Pathogenic/Likely pathogenic. Review status: criteria provided, multiple submitters, no conflicts (2 of 4 stars). 3 submissions from 3 submitters: Pathogenic (1); Likely pathogenic (2). Last evaluated 2023-03-10.

Conditions:
Neurodegeneration with brain iron accumulation (NBIA). Identifiers: Orphanet 385, MedGen C2931845, MONDO:0018307.
Deficiency of ferroxidase (ACEP). Also called: Aceruloplasminemia; NEURODEGENERATION WITH BRAIN IRON ACCUMULATION 10; Deficiency of ceruloplasmin; Ceruloplasmin deficiency; Familial apoceruloplasmin deficiency; Hereditary ceruloplasmin deficiency. Identifiers: Orphanet 48818, MedGen C0878682, MONDO:0011426, OMIM 604290, HP:0025498.

Submissions (3):

Women's Health and Genetics/Laboratory Corporation of America, LabCorp
Classification: Likely pathogenic for Neurodegeneration with brain iron accumulation. Last evaluated: 2023-03-10. Review status: criteria provided, single submitter. Criteria: LabCorp Variant Classification Summary - May 2015. Collection method: clinical testing. Allele origin: germline.
Comment: Variant summary: CP c.2756T>C (p.Leu919Pro) results in a non-conservative amino acid change in the encoded protein sequence. Four of four in-silico tools predict a damaging effect of the variant on protein function. At least one computational study showed Leu919 is involved in a network of hydrophobic interactions with Leu921 and Leu808 and the substitution by a proline would probably lead to perturbations in this network, altering the stability of the protein (Vila Cuenca_2020). The variant was absent in 251254 control chromosomes (gnomAD). c.2756T>C has been reported in the literature in homozygous individuals affected with Aceruloplasminaemia (Borges_2019, Vila Cuenca_2020) and one heterozygote carrier whose serum ceruloplasmin levels were decreased, with normal ferritin and serum iron (Borges_2019). These data indicate that the variant is likely to be associated with disease. To our knowledge, no experimental evidence demonstrating an impact on protein function has been reported. Two ClinVar submitters (evaluation after 2014) cite this variant as pathogenic and likely pathogenic. Based on the evidence outlined above, the variant was classified as likely pathogenic.

Mendelics
Classification: Pathogenic for Deficiency of ferroxidase. Last evaluated: 2022-05-04. Review status: criteria provided, single submitter. Criteria: Mendelics Assertion Criteria 2019. Collection method: clinical testing. Allele origin: germline.

Hemoglobin and Genome Lab, University of Campinas
Classification: Likely pathogenic for Deficiency of ferroxidase. Last evaluated: 2017-07-28. Review status: criteria provided, single submitter. Criteria: HGL Assertion criteria. Collection method: research. Allele origin: unknown. Inheritance: Autosomal recessive inheritance. Affected: yes. Observed: 1 variant allele, 1 homozygote.

Literature cited by the submitters: PubMed 32235485 (cited by Women's Health and Genetics/Laboratory Corporation of America, LabCorp); PubMed 30901137 (cited by Women's Health and Genetics/Laboratory Corporation of America, LabCorp); PubMed 34347207 (cited by Women's Health and Genetics/Laboratory Corporation of America, LabCorp).